The following is an entry in ClinVar:

NM_004656.4(BAP1):c.159C>T (p.Ile53=)

Gene: BAP1 (BRCA1 associated deubiquitinase 1; minus strand). Cytogenetic location: 3p21.1.
Variant type: single nucleotide variant.
Coding change: c.159C>T on transcript NM_004656.4 (MANE Select); coding-DNA position 159, C replaced by T.
Protein change: p.Ile53=; no amino-acid change (isoleucine 53 retained).
Molecular consequence: synonymous variant.
Genome position (GRCh38, 1-based): chr3:52,408,570, G>A on the plus strand (C>T on the coding strand, the complement: BAP1 is on the minus strand). VCF-style: chr3-52408570-G-A. GRCh37 (hg19) VCF-style: chr3-52442586-G-A.
Identifiers: ClinVar variation 490800 (VCV000490800.16), dbSNP rs187643606, ClinGen allele CA2437168.
Genomic context (GRCh38, chr3:52,408,570, plus strand): 5'-ATCAATCACGGACGTATCATCCACCAAGGTAGAGACCTTTCGCCGGGACCGGCGCTCTTC[G>A]ATCCATTTGAACAGGAAGATAAATCCATATACAGGGCTGGGGGAAGTAAGGGGCAGAGCC-3'
Protein context (NP_004647.1, residues 43-63): VYGFIFLFKW[Ile53=]EERRSRRKVS

ClinVar aggregate classification (germline): Benign/Likely benign. Review status: criteria provided, multiple submitters, no conflicts (2 of 4 stars). 4 submissions from 4 submitters: Benign (1); Likely benign (3). Last evaluated 2026-02-03.

Conditions:
Hereditary cancer-predisposing syndrome. Also called: Hereditary Cancer Syndrome; Neoplastic Syndromes, Hereditary; Tumor predisposition; Hereditary neoplastic syndrome. Identifiers: Orphanet 140162, MedGen C0027672, MeSH D009386, MONDO:0015356.
BAP1-related tumor predisposition syndrome (TPDS1). Also called: Tumor susceptibility linked to germline BAP1 mutations; BAP1 tumor predisposition syndrome; COMMON Syndrome; TUMOR PREDISPOSITION SYNDROME 1. Identifiers: Orphanet 289539, MedGen C3280492, MONDO:0013692, OMIM 614327.

Allele frequency attached by ClinVar (database versions not stated): ExAC 0.00001; gnomAD exomes 0.00001 and 0.00002; 1000 Genomes Project 30x 0.00016; 1000 Genomes Project 0.00020.

Submissions (4):

Labcorp Genetics (formerly Invitae), Labcorp
Classification: Likely benign for BAP1-related tumor predisposition syndrome. Last evaluated: 2026-02-03. Review status: criteria provided, single submitter. Criteria: Invitae Variant Classification Sherloc (09022015). Collection method: clinical testing. Allele origin: germline.

Myriad Genetics, Inc.
Classification: Benign for BAP1-related tumor predisposition syndrome. Last evaluated: 2024-07-11. Review status: criteria provided, single submitter. Criteria: Myriad Autosomal Dominant, Autosomal Recessive and X-Linked Classification Criteria (2023). Collection method: clinical testing. Allele origin: unknown.
Comment: This variant is considered benign. This variant is a silent/synonymous amino acid change and it is not expected to impact splicing.

Ambry Genetics
Classification: Likely benign for Hereditary cancer-predisposing syndrome. Last evaluated: 2020-06-23. Review status: criteria provided, single submitter. Criteria: Ambry Variant Classification Scheme 2023. Collection method: clinical testing. Allele origin: germline.

Color Diagnostics, LLC DBA Color Health
Classification: Likely benign for Hereditary cancer-predisposing syndrome. Last evaluated: 2017-11-09. Review status: criteria provided, single submitter. Criteria: ACMG Guidelines, 2015. Collection method: clinical testing. Allele origin: germline.